The following is an entry in ClinVar:

ClinVar aggregate classification (germline): Uncertain significance (1 of 4 stars; one submission).

gnomAD v4.1: 4 of 1,613,458 alleles (0.00025%); highest among the groups gnomAD compares: Admixed American, 0.0017%; no homozygotes.

Submission:

Labcorp Genetics (formerly Invitae), Labcorp
Classification: Uncertain significance. Last evaluated: 2024-11-14. Review status: criteria provided, single submitter. Criteria: Invitae Variant Classification Sherloc (09022015). Collection method: clinical testing. Allele origin: germline.
Comment: This sequence change replaces proline, which is neutral and non-polar, with histidine, which is basic and polar, at codon 331 of the COL10A1 protein (p.Pro331His). This variant is not present in population databases (gnomAD no frequency). This variant has not been reported in the literature in individuals affected with COL10A1-related conditions. Invitae Evidence Modeling of protein sequence and biophysical properties (such as structural, functional, and spatial information, amino acid conservation, physicochemical variation, residue mobility, and thermodynamic stability) has been performed for this missense variant. However, the output from this modeling did not meet the statistical confidence thresholds required to predict the impact of this variant on COL10A1 protein function. In summary, the available evidence is currently insufficient to determine the role of this variant in disease. Therefore, it has been classified as a Variant of Uncertain Significance.

NM_000493.4(COL10A1):c.992C>A (p.Pro331His)

Genes: COL10A1 (collagen type X alpha 1 chain; minus strand), NT5DC1 (5'-nucleotidase domain containing 1; plus strand). Cytogenetic location: 6q22.1.
Variant type: single nucleotide variant.
Coding change: c.992C>A on transcript NM_000493.4 (MANE Select); coding-DNA position 992, C replaced by A.
Protein change: p.Pro331His; replaces proline 331 with histidine.
Molecular consequence: missense variant. On other transcripts: intron variant (1).
Genome position (GRCh38, 1-based): chr6:116,121,124, G>T on the plus strand (C>A on the coding strand, the complement: COL10A1 is on the minus strand). VCF-style: chr6-116121124-G-T. GRCh37 (hg19) VCF-style: chr6-116442287-G-T.
Other names: c.992C>A, p.Pro331His (NM_001424106.1, NM_001424107.1); c.529+3179G>T (NM_152729.3); short protein forms P331H.
Identifiers: ClinVar variation 3664724 (VCV003664724.2).